The following is an entry in ClinVar:

NM_000064.4(C3):c.3248T>A (p.Val1083Asp)

Gene: C3 (complement C3; minus strand). Cytogenetic location: 19p13.3.
Variant type: single nucleotide variant.
Coding change: c.3248T>A on transcript NM_000064.4 (MANE Select); coding-DNA position 3248, T replaced by A.
Protein change: p.Val1083Asp; replaces valine 1083 with aspartic acid.
Molecular consequence: missense variant.
Genome position (GRCh38, 1-based): chr19:6,693,066, A>T on the plus strand (T>A on the coding strand, the complement: C3 is on the minus strand). VCF-style: chr19-6693066-A-T. GRCh37 (hg19) VCF-style: chr19-6693077-A-T.
Other names: short protein forms V1083D.
Identifiers: ClinVar variation 2814294 (VCV002814294.3), dbSNP rs1398316503, ClinGen allele CA403626604.

ClinVar aggregate classification (germline): Uncertain significance (1 of 4 stars; one submission).

Submission:

Labcorp Genetics (formerly Invitae), Labcorp
Classification: Uncertain significance. Last evaluated: 2022-11-19. Review status: criteria provided, single submitter. Criteria: Invitae Variant Classification Sherloc (09022015). Collection method: clinical testing. Allele origin: germline.
Comment: This sequence change replaces valine, which is neutral and non-polar, with aspartic acid, which is acidic and polar, at codon 1083 of the C3 protein (p.Val1083Asp). This variant is present in population databases (no rsID available, gnomAD 0.0009%). This variant has not been reported in the literature in individuals affected with C3-related conditions. Advanced modeling of protein sequence and biophysical properties (such as structural, functional, and spatial information, amino acid conservation, physicochemical variation, residue mobility, and thermodynamic stability) performed at Invitae indicates that this missense variant is expected to disrupt C3 protein function. In summary, the available evidence is currently insufficient to determine the role of this variant in disease. Therefore, it has been classified as a Variant of Uncertain Significance.